The following is an entry in ClinVar:

NM_024757.5(EHMT1):c.763T>A (p.Ser255Thr)

Gene: EHMT1 (euchromatic histone lysine methyltransferase 1; plus strand). Cytogenetic location: 9q34.3.
Variant type: single nucleotide variant.
Coding change: c.763T>A on transcript NM_024757.5 (MANE Select); coding-DNA position 763, T replaced by A.
Protein change: p.Ser255Thr; replaces serine 255 with threonine.
Molecular consequence: missense variant.
Genome position (GRCh38, 1-based): chr9:137,728,469, T>A. VCF-style: chr9-137728469-T-A. GRCh37 (hg19) VCF-style: chr9-140622921-T-A.
Other names: c.763T>A, p.Ser255Thr (NM_001145527.2, NM_001354263.2, NM_001354611.2); c.670T>A, p.Ser224Thr (NM_001354259.2, NM_001354612.2); short protein forms S224T, S255T.
Identifiers: ClinVar variation 2769045 (VCV002769045.3), dbSNP rs2541312660, ClinGen allele CA375772211.
Genomic context (GRCh38, chr9:137,728,469, plus strand): 5'-GAGGAGATCAACAAAAACATTTCTGACTTTGGACGACAGCAGCTTTTACCCCCCTTCCCA[T>A]CCCTTCATCAGTCGCTACCTCAGAACCAGTGCTACATGGCCACCACAAAATCACAGACAG-3'
Protein context (NP_079033.4, residues 245-265): GRQQLLPPFP[Ser255Thr]LHQSLPQNQC

ClinVar aggregate classification (germline): Uncertain significance (1 of 4 stars; one submission).

Conditions:
Kleefstra syndrome 1 (KLEFS1). Identifiers: Orphanet 261494, MedGen C0795833, MONDO:0027407, OMIM 610253.

gnomAD v4.1: 2 of 1,613,984 alleles (0.00012%); highest among the groups gnomAD compares: Non-Finnish European, 0.00017%; no homozygotes.

Submission:

Labcorp Genetics (formerly Invitae), Labcorp
Classification: Uncertain significance for Kleefstra syndrome 1. Last evaluated: 2023-10-16. Review status: criteria provided, single submitter. Criteria: Invitae Variant Classification Sherloc (09022015). Collection method: clinical testing. Allele origin: germline.
Comment: This sequence change replaces serine, which is neutral and polar, with threonine, which is neutral and polar, at codon 255 of the EHMT1 protein (p.Ser255Thr). This variant is not present in population databases (gnomAD no frequency). This variant has not been reported in the literature in individuals affected with EHMT1-related conditions. Advanced modeling of protein sequence and biophysical properties (such as structural, functional, and spatial information, amino acid conservation, physicochemical variation, residue mobility, and thermodynamic stability) performed at Invitae indicates that this missense variant is not expected to disrupt EHMT1 protein function. In summary, the available evidence is currently insufficient to determine the role of this variant in disease. Therefore, it has been classified as a Variant of Uncertain Significance.